The following is an entry in ClinVar:

NM_020937.4(FANCM):c.2562G>T (p.Lys854Asn)

Gene: FANCM (FA complementation group M; plus strand). Cytogenetic location: 14q21.2.
Variant type: single nucleotide variant.
Coding change: c.2562G>T on transcript NM_020937.4 (MANE Select); coding-DNA position 2562, G replaced by T.
Protein change: p.Lys854Asn; replaces lysine 854 with asparagine.
Molecular consequence: missense variant.
Genome position (GRCh38, 1-based): chr14:45,175,316, G>T. VCF-style: chr14-45175316-G-T. GRCh37 (hg19) VCF-style: chr14-45644519-G-T.
Other names: c.2484G>T, p.Lys828Asn (NM_001308133.2); short protein forms K828N, K854N.
Identifiers: ClinVar variation 4619581 (VCV004619581.1).

ClinVar aggregate classification (germline): Uncertain significance (1 of 4 stars; one submission).

Conditions:
Inborn genetic diseases. Identifiers: MedGen C0950123, MeSH D030342.

Submission:

Ambry Genetics
Classification: Uncertain significance for Inborn genetic diseases. Last evaluated: 2025-11-11. Review status: criteria provided, single submitter. Criteria: Ambry Variant Classification Scheme 2023. Collection method: clinical testing. Allele origin: germline.
Comment: The p.K854N variant (also known as c.2562G>T), located in coding exon 14 of the FANCM gene, results from a G to T substitution at nucleotide position 2562. The lysine at codon 854 is replaced by asparagine, an amino acid with similar properties. This amino acid position is conserved. In addition, this alteration is predicted to be tolerated by in silico analysis. Based on the available evidence, the clinical significance of this variant remains unclear.